The following is an entry in ClinVar:

ClinVar aggregate classification (germline): Likely benign (1 of 4 stars; one submission).

gnomAD v4.1: 103 of 1,611,160 alleles (0.0064%); highest among the groups gnomAD compares: Non-Finnish European, 0.006%; no homozygotes.

Submission:

CeGaT Center for Human Genetics Tuebingen
Classification: Likely benign. Last evaluated: 2025-09-01. Review status: criteria provided, single submitter. Criteria: CeGaT Center For Human Genetics Tuebingen Variant Classification Criteria Version 2. Collection method: clinical testing. Allele origin: germline. Affected: yes. Observed: 1 variant allele.
Comment: CADM3: BP4, BP7

NM_001127173.3(CADM3):c.1125C>T (p.Asp375=)

Genes: CADM3 (cell adhesion molecule 3; plus strand), CADM3-AS1 (CADM3 antisense RNA 1; minus strand). Cytogenetic location: 1q23.2.
Variant type: single nucleotide variant.
Coding change: c.1125C>T on transcript NM_001127173.3 (MANE Select); coding-DNA position 1125, C replaced by T.
Protein change: p.Asp375=; no amino-acid change (aspartic acid 375 retained).
Molecular consequence: synonymous variant. On other transcripts: non-coding transcript variant (1).
Genome position (GRCh38, 1-based): chr1:159,200,850, C>T. VCF-style: chr1-159200850-C-T. GRCh37 (hg19) VCF-style: chr1-159170640-C-T.
Other names: c.987C>T, p.Asp329= (NM_001346510.2); c.1227C>T, p.Asp409= (NM_021189.5).
Identifiers: ClinVar variation 4280853 (VCV004280853.7).
Genomic context (GRCh38, chr1:159,200,850, plus strand): 5'-CTGTCTCTACACAGGAACCTACCTGACACATGAGGCAAAAGGCTCCGACGATGCTCCAGA[C>T]GCGGACACGGCCATCATCAATGCAGAAGGCGGGCAGTCAGGAGGGGACGACAAGAAGGAA-3'
Protein context (NP_001120645.1, residues 365-385): HEAKGSDDAP[Asp375=]ADTAIINAEG